The following is an entry in ClinVar:

ClinVar aggregate classification (germline): Uncertain significance (1 of 4 stars; one submission).

Conditions:
Familial myelodysplastic syndrome.

gnomAD v4.1: 15 of 1,525,798 alleles (0.00098%); highest among the groups gnomAD compares: African/African-American, 0.021%; no homozygotes.

Submission:

St. Jude Molecular Pathology, St. Jude Children's Research Hospital
Classification: Uncertain significance for Familial myelodysplastic syndrome. Last evaluated: 2024-07-29. Review status: criteria provided, single submitter. Criteria: St. Jude Assertion Criteria 2020. Collection method: clinical testing. Allele origin: germline.
Comment: The HLTF c.1066+5A>T intronic change results from a A to T substitution located at intron 9 of the HLTF gene. Algorithms that predict the impact of sequence changes on splicing indicate that this variant does not affect splicing, and to our knowledge functional studies have not been performed. This variant has a maximum subpopulation frequency of 0.024% in gnomAD v2.1.1. To our knowledge, this variant has not been reported in individuals with HLTF-associated myelodysplastic syndrome. In summary, the evidence currently available is insufficient to determine the clinical significance of this variant. It has therefore been classified as of uncertain significance.

NM_003071.4(HLTF):c.1066+5A>T

Gene: HLTF (helicase like transcription factor; minus strand). Cytogenetic location: 3q24.
Variant type: single nucleotide variant.
Coding change: c.1066+5A>T on transcript NM_003071.4 (MANE Select); 5 bases into the intron after coding-DNA position 1066, A replaced by T.
Molecular consequence: intron variant.
Genome position (GRCh38, 1-based): chr3:149,064,786, T>A on the plus strand (A>T on the coding strand, the complement: HLTF is on the minus strand). VCF-style: chr3-149064786-T-A. GRCh37 (hg19) VCF-style: chr3-148782573-T-A.
Other names: c.1066+5A>T (NM_001318935.2, NM_001318934.2, NM_139048.3).
Identifiers: ClinVar variation 3602668 (VCV003602668.1).
Genomic context (GRCh38, chr3:149,064,786, plus strand): 5'-TTGGGTCATATTCAAATTAAAGTTTACCAGATCAAATATTGGATCATTTCAAAATTAGCA[T>A]TTACCTTTGCTTAGTCCATCTGCCTTTTCACTGGTATTGTTTCCTCCAAGTTTCATAGAG-3'